The following is an entry in ClinVar:

NM_003036.4(SKI):c.1717C>G (p.Gln573Glu)

Gene: SKI (SKI proto-oncogene; plus strand). Cytogenetic location: 1p36.32.
Variant type: single nucleotide variant.
Coding change: c.1717C>G on transcript NM_003036.4 (MANE Select); coding-DNA position 1717, C replaced by G.
Protein change: p.Gln573Glu; replaces glutamine 573 with glutamic acid.
Molecular consequence: missense variant.
Genome position (GRCh38, 1-based): chr1:2,304,535, C>G. VCF-style: chr1-2304535-C-G. GRCh37 (hg19) VCF-style: chr1-2235974-C-G.
Other names: short protein forms Q573E.
Identifiers: ClinVar variation 4799799 (VCV004799799.1).

ClinVar aggregate classification (germline): Uncertain significance (1 of 4 stars; one submission).

Conditions:
Shprintzen-Goldberg syndrome (SGS). Also called: Marfanoid disorder with craniosynostosis type 1; Marfanoid craniosynostosis syndrome; Shprintzen-Goldberg marfanoid syndrome; SHPRINTZEN-GOLDBERG CRANIOSYNOSTOSIS SYNDROME; CRANIOSYNOSTOSIS WITH ARACHNODACTYLY AND ABDOMINAL HERNIAS. Identifiers: Orphanet 2462, MedGen C1321551, MONDO:0008426, OMIM 182212.

Submission:

Labcorp Genetics (formerly Invitae), Labcorp
Classification: Uncertain significance for Shprintzen-Goldberg syndrome. Last evaluated: 2025-03-16. Review status: criteria provided, single submitter. Criteria: Invitae Variant Classification Sherloc (09022015). Collection method: clinical testing. Allele origin: germline.
Comment: This sequence change replaces glutamine, which is neutral and polar, with glutamic acid, which is acidic and polar, at codon 573 of the SKI protein (p.Gln573Glu). This variant is not present in population databases (gnomAD no frequency). This variant has not been reported in the literature in individuals affected with SKI-related conditions. Invitae Evidence Modeling of protein sequence and biophysical properties (such as structural, functional, and spatial information, amino acid conservation, physicochemical variation, residue mobility, and thermodynamic stability) indicates that this missense variant is not expected to disrupt SKI protein function with a negative predictive value of 95%. In summary, the available evidence is currently insufficient to determine the role of this variant in disease. Therefore, it has been classified as a Variant of Uncertain Significance.